The following is an entry in ClinVar:

NM_053025.4(MYLK):c.857A>G (p.Asp286Gly)

Gene: MYLK (myosin light chain kinase; minus strand). Cytogenetic location: 3q21.1.
Variant type: single nucleotide variant.
Coding change: c.857A>G on transcript NM_053025.4 (MANE Select); coding-DNA position 857, A replaced by G.
Protein change: p.Asp286Gly; replaces aspartic acid 286 with glycine.
Molecular consequence: missense variant.
Genome position (GRCh38, 1-based): chr3:123,734,139, T>C on the plus strand (A>G on the coding strand, the complement: MYLK is on the minus strand). VCF-style: chr3-123734139-T-C. GRCh37 (hg19) VCF-style: chr3-123452986-T-C.
Other names: c.329A>G, p.Asp110Gly (NM_001321309.2); c.857A>G, p.Asp286Gly (NM_053026.4, NM_053027.4, NM_053028.4); short protein forms D110G, D286G.
Identifiers: ClinVar variation 4875085 (VCV004875085.2).

ClinVar aggregate classification (germline): Uncertain significance (1 of 4 stars; one submission).

gnomAD v4.1: 1 of 1,580,914 alleles (0.000063%); no homozygotes.

Submission:

CeGaT Center for Human Genetics Tuebingen
Classification: Uncertain significance. Last evaluated: 2026-06-01. Review status: criteria provided, single submitter. Criteria: CeGaT Center For Human Genetics Tuebingen Variant Classification Criteria Version 2. Collection method: clinical testing. Allele origin: germline. Affected: yes. Observed: 1 variant allele.
Comment: MYLK: PM2, BP4